The following is an entry in ClinVar:

ClinVar aggregate classification (germline): Conflicting classifications of pathogenicity. Review status: criteria provided, conflicting classifications (1 of 4 stars). 6 submissions from 5 submitters: Uncertain significance (2); Benign (2); Likely benign (2). Last evaluated 2026-01-21.

Conditions:
Leigh syndrome (NULS). Also called: Leigh's syndrome; Leigh's necrotizing encephalopathy; Leigh's disease; Subacute necrotizing encephalopathy; Necrotizing encephalopathy infantile subacute of Leigh; Leigh Syndrome (mtDNA deletion). Identifiers: Orphanet 506, MedGen C2931891, MONDO:0009723, OMIM 256000.
Mitochondrial complex I deficiency, nuclear type 1. Also called: NADH-COENZYME Q REDUCTASE DEFICIENCY; MITOCHONDRIAL NADH DEHYDROGENASE COMPONENT OF COMPLEX I, DEFICIENCY OF. Identifiers: MedGen C6022305, MONDO:0100224, OMIM 252010.

Allele frequency attached by ClinVar (database versions not stated): gnomAD exomes 0.00007 and 0.00024; ExAC 0.00032; 1000 Genomes Project 30x 0.00078; TOPMed 0.00089; gnomAD 0.00093 and 0.00094; 1000 Genomes Project 0.00100; ESP Exome Variant Server 0.00154.
gnomAD v4.1: 258 of 1,614,236 alleles (0.016%); highest among the groups gnomAD compares: African/African-American, 0.28%; 4 homozygotes.

Submissions (6):

Labcorp Genetics (formerly Invitae), Labcorp
Classification: Benign. Last evaluated: 2026-01-21. Review status: criteria provided, single submitter. Criteria: Invitae Variant Classification Sherloc (09022015). Collection method: clinical testing. Allele origin: germline.

Blueprint Genetics
Classification: Likely benign. Last evaluated: 2024-10-09. Review status: criteria provided, single submitter. Criteria: ACMG Guidelines, 2015. Collection method: clinical testing. Allele origin: germline.

CeGaT Center for Human Genetics Tuebingen
Classification: Likely benign. Last evaluated: 2022-05-01. Review status: criteria provided, single submitter. Criteria: CeGaT Center For Human Genetics Tuebingen Variant Classification Criteria Version 2. Collection method: clinical testing. Allele origin: germline. Affected: yes. Observed: 1 variant allele.
Comment: NDUFV1: BP4, BP7

Illumina Laboratory Services, Illumina
Classification: Uncertain significance for Mitochondrial complex I deficiency, nuclear type 1. Last evaluated: 2018-01-13. Review status: criteria provided, single submitter. Criteria: ICSL Variant Classification Criteria 13 December 2019. Collection method: clinical testing. Allele origin: germline.

Illumina Laboratory Services, Illumina
Classification: Uncertain significance for Leigh syndrome. Last evaluated: 2018-01-13. Review status: criteria provided, single submitter. Criteria: ICSL Variant Classification Criteria 13 December 2019. Collection method: clinical testing. Allele origin: germline.

GeneDx
Classification: Benign. Last evaluated: 2015-03-03. Review status: criteria provided, single submitter. Criteria: GeneDx Variant Classification Process June 2021. Collection method: clinical testing. Allele origin: germline. Affected: yes.

NM_007103.4(NDUFV1):c.819C>T (p.Thr273=)

Gene: NDUFV1 (NADH:ubiquinone oxidoreductase core subunit V1; plus strand). Cytogenetic location: 11q13.2.
Variant type: single nucleotide variant.
Coding change: c.819C>T on transcript NM_007103.4 (MANE Select); coding-DNA position 819, C replaced by T.
Protein change: p.Thr273=; no amino-acid change (threonine 273 retained).
Molecular consequence: synonymous variant.
Genome position (GRCh38, 1-based): chr11:67,611,113, C>T. VCF-style: chr11-67611113-C-T. GRCh37 (hg19) VCF-style: chr11-67378584-C-T.
Other names: c.792C>T, p.Thr264= (NM_001166102.2).
Identifiers: ClinVar variation 305749 (VCV000305749.40), dbSNP rs150859374, ClinGen allele CA6143291.
Genomic context (GRCh38, chr11:67,611,113, plus strand): 5'-AATCTGCCGCCGTGGAGGTACCTGGTTTGCTGGCTTTGGCAGAGAACGCAACTCAGGCAC[C>T]AAACTATTCAACATCTCTGGCCATGTCAACCACCCTTGCACTGTGGAGGAGGAGATGTCT-3'
Protein context (NP_009034.2, residues 263-283): AGFGRERNSG[Thr273=]KLFNISGHVN